The following is an entry in ClinVar:

ClinVar aggregate classification (germline): Uncertain significance. Review status: criteria provided, multiple submitters, no conflicts (2 of 4 stars). 2 submissions from 2 submitters: Uncertain significance (2). Last evaluated 2022-05-27.

Conditions:
Intellectual disability, X-linked 49 (MRXSRC). Also called: MRX49; CLCN4-related X-linked intellectual disability syndrome; RAYNAUD-CLAES SYNDROME; CLCN4-Related Neurodevelopmental Disorder; MENTAL RETARDATION, X-LINKED 15. Identifiers: Orphanet 485350, Orphanet 777, MedGen C0796221, MONDO:0010250, OMIM 300114.

Allele frequency attached by ClinVar (database versions not stated): gnomAD exomes below 0.00001.
gnomAD v4.1: 3 of 1,211,319 alleles (0.00025%); highest among the groups gnomAD compares: Non-Finnish European, 0.00022%; no homozygotes.

Submissions (2):

Gene2Care/ Palmer Lab, University of New South Wales
Classification: Uncertain significance for Intellectual disability, X-linked 49. Last evaluated: 2022-05-27. Review status: criteria provided, single submitter. Criteria: ACMG Guidelines, 2015. Collection method: clinical testing. Allele origin: germline. Affected: yes.

Labcorp Genetics (formerly Invitae), Labcorp
Classification: Uncertain significance. Last evaluated: 2020-01-03. Review status: criteria provided, single submitter. Criteria: Invitae Variant Classification Sherloc (09022015). Collection method: clinical testing. Allele origin: germline.
Comment: This variant is not present in population databases (ExAC no frequency). In summary, the available evidence is currently insufficient to determine the role of this variant in disease. Therefore, it has been classified as a Variant of Uncertain Significance. Algorithms developed to predict the effect of missense changes on protein structure and function are either unavailable or do not agree on the potential impact of this missense change (SIFT: "Deleterious"; PolyPhen-2: "Probably Damaging"; Align-GVGD: "Class C0"). This variant has not been reported in the literature in individuals with CLCN4-related conditions. This sequence change replaces proline with leucine at codon 369 of the CLCN4 protein (p.Pro369Leu). The proline residue is highly conserved and there is a moderate physicochemical difference between proline and leucine.

NM_001830.4(CLCN4):c.1106C>T (p.Pro369Leu)

Gene: CLCN4 (Cl-/H+ antiporter 4; plus strand). Cytogenetic location: Xp22.2.
Variant type: single nucleotide variant.
Coding change: c.1106C>T on transcript NM_001830.4 (MANE Select); coding-DNA position 1106, C replaced by T.
Protein change: p.Pro369Leu; replaces proline 369 with leucine.
Molecular consequence: missense variant.
Genome position (GRCh38, 1-based): chrX:10,208,307, C>T. VCF-style: chrX-10208307-C-T. GRCh37 (hg19) VCF-style: chrX-10176347-C-T.
Other names: c.824C>T, p.Pro275Leu (NM_001256944.2); short protein forms P275L, P369L.
Identifiers: ClinVar variation 1013891 (VCV001013891.39), dbSNP rs1924447309, ClinGen allele CA412037871.
Genomic context (GRCh38, chrX:10,208,307, plus strand): 5'-TCATCCGCTGCAACATCGCCTGGTGCAGGAGGCGCAAGACCACCAGGCTGGGGAAGTACC[C>T]GGTGCTGGAGGTCATTGTGGTGACTGCCATCACTGCCATCATTGCCTACCCCAATCCCTA-3'
Protein context (NP_001821.2, residues 359-379): RRKTTRLGKY[Pro369Leu]VLEVIVVTAI